The following is an entry in ClinVar:

ClinVar aggregate classification (germline): Likely benign. Review status: criteria provided, multiple submitters, no conflicts (2 of 4 stars). 3 submissions from 3 submitters: Likely benign (3). Last evaluated 2025-08-22.

Conditions:
NR2E3-related disorder. Also called: NR2E3-related condition; NR2E3-related disorders. Identifiers: MedGen CN239387.

Allele frequency attached by ClinVar (database versions not stated): gnomAD exomes 0.00002.
gnomAD v4.1: 74 of 1,559,704 alleles (0.0047%); highest among the groups gnomAD compares: Non-Finnish European, 0.0055%; no homozygotes.

Submissions (3):

PreventionGenetics, part of Exact Sciences
Classification: Likely benign for NR2E3-related condition. Last evaluated: 2025-08-22. Review status: criteria provided, single submitter. Criteria: ACMG Guidelines, 2015. Collection method: clinical testing. Allele origin: germline.
Comment: This variant is classified as likely benign based on ACMG/AMP sequence variant interpretation guidelines (Richards et al. 2015 PMID: 25741868, with internal and published modifications).

Labcorp Genetics (formerly Invitae), Labcorp
Classification: Likely benign. Last evaluated: 2025-04-28. Review status: criteria provided, single submitter. Criteria: Invitae Variant Classification Sherloc (09022015). Collection method: clinical testing. Allele origin: germline.

Blueprint Genetics
Classification: Likely benign. Last evaluated: 2018-12-18. Review status: criteria provided, single submitter. Criteria: ACMG Guidelines, 2015. Collection method: clinical testing. Allele origin: germline.

NM_014249.4(NR2E3):c.132G>A (p.Ser44=)

Gene: NR2E3 (nuclear receptor subfamily 2 group E member 3; plus strand). Cytogenetic location: 15q23.
Variant type: single nucleotide variant.
Coding change: c.132G>A on transcript NM_014249.4 (MANE Select); coding-DNA position 132, G replaced by A.
Protein change: p.Ser44=; no amino-acid change (serine 44 retained).
Molecular consequence: synonymous variant.
Genome position (GRCh38, 1-based): chr15:71,811,496, G>A. VCF-style: chr15-71811496-G-A. GRCh37 (hg19) VCF-style: chr15-72103836-G-A.
Other names: c.132G>A (NM_014249.3); c.132G>A, p.Ser44= (NM_016346.4).
Identifiers: ClinVar variation 1156935 (VCV001156935.11), dbSNP rs759064828, ClinGen allele CA7640219.